The following is an entry in ClinVar:

NM_015466.4(PTPN23):c.3915C>T (p.Thr1305=)

Gene: PTPN23 (protein tyrosine phosphatase non-receptor type 23; plus strand). Cytogenetic location: 3p21.31.
Variant type: single nucleotide variant.
Coding change: c.3915C>T on transcript NM_015466.4 (MANE Select); coding-DNA position 3915, C replaced by T.
Protein change: p.Thr1305=; no amino-acid change (threonine 1305 retained).
Molecular consequence: synonymous variant.
Genome position (GRCh38, 1-based): chr3:47,411,809, C>T. VCF-style: chr3-47411809-C-T. GRCh37 (hg19) VCF-style: chr3-47453299-C-T.
Other names: c.3537C>T, p.Thr1179= (NM_001304482.2); c.3915C>T (NM_015466.3).
Identifiers: ClinVar variation 1614311 (VCV001614311.10), dbSNP rs146908373, ClinGen allele CA2366401.
Genomic context (GRCh38, chr3:47,411,809, plus strand): 5'-AAACCAGGTCTGTCTTGGCTTATCTGTCCCTCAGCAAAAAGTGGCACGCTACTTCCCCAC[C>T]GAGAGGGGCCAGCCCATGGTGCACGGTGCCCTGAGCCTGGCATTGAGCAGCGTCCGCAGC-3'
Protein context (NP_056281.1, residues 1295-1315): EKQKVARYFP[Thr1305=]ERGQPMVHGA

ClinVar aggregate classification (germline): Likely benign. Review status: criteria provided, multiple submitters, no conflicts (2 of 4 stars). 3 submissions from 3 submitters: Likely benign (3). Last evaluated 2026-02-04.

Conditions:
PTPN23-related disorder. Also called: PTPN23-related condition.

Allele frequency attached by ClinVar (database versions not stated): ExAC 0.00004; TOPMed 0.00008; ESP Exome Variant Server 0.00023; 1000 Genomes Project 0.00060; 1000 Genomes Project 30x 0.00062.
gnomAD v4.1: 31 of 1,609,104 alleles (0.0019%); highest among the groups gnomAD compares: African/African-American, 0.016%; no homozygotes.

Submissions (3):

PreventionGenetics, part of Exact Sciences
Classification: Likely benign for PTPN23-related condition. Last evaluated: 2026-02-04. Review status: criteria provided, single submitter. Criteria: ACMG Guidelines, 2015. Collection method: clinical testing. Allele origin: germline.
Comment: This variant is classified as likely benign based on ACMG/AMP sequence variant interpretation guidelines (Richards et al. 2015 PMID: 25741868, with internal and published modifications).

Labcorp Genetics (formerly Invitae), Labcorp
Classification: Likely benign. Last evaluated: 2024-08-20. Review status: criteria provided, single submitter. Criteria: Invitae Variant Classification Sherloc (09022015). Collection method: clinical testing. Allele origin: germline.

Blueprint Genetics
Classification: Likely benign. Last evaluated: 2024-01-03. Review status: criteria provided, single submitter. Criteria: ACMG Guidelines, 2015. Collection method: clinical testing. Allele origin: germline.